The following is an entry in ClinVar:

ClinVar aggregate classification (germline): Likely pathogenic (1 of 4 stars; one submission).

Conditions:
Dilated cardiomyopathy 1G (CMD1G). Identifiers: Orphanet 154, MedGen C1858763, MONDO:0011400, OMIM 604145.
Autosomal recessive limb-girdle muscular dystrophy type 2J (LGMDR10). Also called: MUSCULAR DYSTROPHY, LIMB-GIRDLE, AUTOSOMAL RECESSIVE 10; Limb-girdle muscular dystrophy, type 2J. Identifiers: Orphanet 140922, MedGen C1837342, MONDO:0012127, OMIM 608807.

Submission:

Labcorp Genetics (formerly Invitae), Labcorp
Classification: Likely pathogenic for Dilated cardiomyopathy 1G; Autosomal recessive limb-girdle muscular dystrophy type 2J. Last evaluated: 2021-08-24. Review status: criteria provided, single submitter. Criteria: Invitae Variant Classification Sherloc (09022015). Collection method: clinical testing. Allele origin: germline.
Comment: In summary, the currently available evidence indicates that the variant is pathogenic, but additional data are needed to prove that conclusively. Therefore, this variant has been classified as Likely Pathogenic. This variant is located in the A band of TTN (PMID: 25589632). Truncating variants in this region are significantly overrepresented in patients affected with dilated cardiomyopathy (PMID: 25589632). Truncating variants in this region have also been reported in individuals affected with autosomal recessive centronuclear myopathy (PMID: 23975875). This variant has not been reported in the literature in individuals affected with TTN-related conditions. This variant is not present in population databases (ExAC no frequency). This sequence change creates a premature translational stop signal (p.Trp17590Metfs*18) in the TTN gene. While this is not anticipated to result in nonsense mediated decay, it is expected to create a truncated TTN protein.

Literature cited by the submitters: PubMed 25589632; PubMed 23975875.

NM_001267550.2(TTN):c.52767dup (p.Trp17590fs)

Genes: TTN-AS1 (TTN antisense RNA 1; plus strand), TTN (titin; minus strand), LOC126806425 (BRD4-independent group 4 enhancer GRCh37_chr2:179471933-179473132; plus strand). Cytogenetic location: 2q31.2.
Variant type: Duplication.
Coding change: c.52767dup on transcript NM_001267550.2 (MANE Select); coding-DNA position 52767, one base duplicated (A; older notation c.52767dupA).
Protein change: p.Trp17590fs; shifts the reading frame from tryptophan 17590.
Molecular consequence: frameshift variant.
Genome position (GRCh38, 1-based): chr2:178,608,020, T duplicated on the plus strand (A on the coding strand, the reverse complement: TTN is on the minus strand); the first of 2 consecutive T bases (chr2:178,608,020-178,608,021); duplicating either gives the same sequence. VCF-style (leftmost placement, unchanged base first): chr2-178608019-A-AT. GRCh37 (hg19) VCF-style: chr2-179472746-A-AT.
Other names: c.47844dup, p.Trp15949fs (NM_001256850.1); c.25572dup, p.Trp8525fs (NM_003319.4); c.45063dup, p.Trp15022fs (NM_133378.4); c.25947dup, p.Trp8650fs (NM_133432.3); c.26148dup, p.Trp8717fs (NM_133437.4); short protein forms W8650fs, W17590fs, W8525fs, W8717fs, W15022fs, W15949fs.
Identifiers: ClinVar variation 1477473 (VCV001477473.6), dbSNP rs2154197298, ClinGen allele CA2573133898.